The following is an entry in ClinVar:

NM_023036.6(DNAI2):c.345+1G>T

Gene: DNAI2 (dynein axonemal intermediate chain 2; plus strand). Cytogenetic location: 17q25.1.
Variant type: single nucleotide variant.
Coding change: c.345+1G>T on transcript NM_023036.6 (MANE Select); the canonical splice donor site of the intron after coding-DNA position 345, G replaced by T.
Molecular consequence: splice donor variant.
Genome position (GRCh38, 1-based): chr17:74,285,202, G>T. VCF-style: chr17-74285202-G-T. GRCh37 (hg19) VCF-style: chr17-72281341-G-T.
Other names: c.345+1G>T (NM_001353167.2, NM_001172810.3).
Identifiers: ClinVar variation 3710758 (VCV003710758.3).

ClinVar aggregate classification (germline): Conflicting classifications of pathogenicity. Review status: criteria provided, conflicting classifications (1 of 4 stars). 2 submissions from 2 submitters: Likely pathogenic (1); Uncertain significance (1). Last evaluated 2026-07-31.

Conditions:
Primary ciliary dyskinesia. Also called: Ciliary dyskinesia. Identifiers: Orphanet 244, MedGen C0008780, MONDO:0016575, HP:0012265.
Primary ciliary dyskinesia 9. Also called: CILIARY DYSKINESIA, PRIMARY, 9, WITH OR WITHOUT SITUS INVERSUS. Identifiers: Orphanet 244, MedGen C2676235, MONDO:0012906, OMIM 612444.

gnomAD v4.1: 1 of 1,613,982 alleles (0.000062%); highest among the groups gnomAD compares: Admixed American, 0.0017%; no homozygotes.

Submissions (2):

Myriad Genetics, Inc.
Classification: Uncertain significance for Primary ciliary dyskinesia 9. Last evaluated: 2026-07-31. Review status: criteria provided, single submitter. Criteria: Myriad Autosomal Dominant, Autosomal Recessive and X-Linked Classification Criteria (2023). Collection method: clinical testing. Allele origin: unknown.
Comment: NM_023036.4(DNAI2):c.345+1G>T is a variant in a canonical splice site classified as a variant of uncertain significance in the context of primary ciliary dyskinesia, DNAI2-related. c.345+1G>T has not been observed in cases with relevant disease. Relevant functional assessments of this variant are not available in the literature. c.345+1G>T has been observed in referenced population frequency databases. In summary, there is insufficient evidence to classify NM_023036.4(DNAI2):c.345+1G>T as pathogenic or benign. Please note: this variant was assessed in the context of healthy population screening.

Labcorp Genetics (formerly Invitae), Labcorp
Classification: Likely pathogenic for Primary ciliary dyskinesia. Last evaluated: 2024-05-19. Review status: criteria provided, single submitter. Criteria: Invitae Variant Classification Sherloc (09022015). Collection method: clinical testing. Allele origin: germline.
Comment: This sequence change affects a donor splice site in intron 3 of the DNAI2 gene. It is expected to disrupt RNA splicing. Variants that disrupt the donor or acceptor splice site typically lead to a loss of protein function (PMID: 16199547), and loss-of-function variants in DNAI2 are known to be pathogenic (PMID: 18950741, 23891469). This variant is present in population databases (no rsID available, gnomAD 0.003%). This variant has not been reported in the literature in individuals affected with DNAI2-related conditions. Algorithms developed to predict the effect of sequence changes on RNA splicing suggest that this variant may disrupt the consensus splice site. In summary, the currently available evidence indicates that the variant is pathogenic, but additional data are needed to prove that conclusively. Therefore, this variant has been classified as Likely Pathogenic.

Literature cited by the submitters: PubMed 16199547 (cited by Labcorp Genetics (formerly Invitae), Labcorp); PubMed 18950741 (cited by Labcorp Genetics (formerly Invitae), Labcorp); PubMed 23891469 (cited by Labcorp Genetics (formerly Invitae), Labcorp).